The following is an entry in ClinVar:

NM_206933.4(USH2A):c.7617G>A (p.Pro2539=)

Gene: USH2A (usherin; minus strand). Cytogenetic location: 1q41.
Variant type: single nucleotide variant.
Coding change: c.7617G>A on transcript NM_206933.4 (MANE Select); coding-DNA position 7617, G replaced by A.
Protein change: p.Pro2539=; no amino-acid change (proline 2539 retained).
Molecular consequence: synonymous variant.
Genome position (GRCh38, 1-based): chr1:215,889,032, C>T on the plus strand (G>A on the coding strand, the complement: USH2A is on the minus strand). VCF-style: chr1-215889032-C-T. GRCh37 (hg19) VCF-style: chr1-216062374-C-T.
Identifiers: ClinVar variation 505133 (VCV000505133.19), dbSNP rs773159617, ClinGen allele CA1394773.

ClinVar aggregate classification (germline): Likely benign. Review status: criteria provided, multiple submitters, no conflicts (2 of 4 stars). 7 submissions from 6 submitters: Likely benign (6). 1 of the submissions does not count toward it. Last evaluated 2025-12-26.

Conditions:
USH2A-related disorder. Also called: USH2A-related condition; USH2A-related disorders. Identifiers: MedGen CN239332.
Retinal dystrophy. Also called: Inherited retinal dystrophy. Identifiers: Orphanet 71862, MedGen C0854723, MeSH D058499, MONDO:0019118, HP:0000556.
Retinitis pigmentosa 39 (RP39). Identifiers: Orphanet 791, MedGen C3151138, MONDO:0013436, OMIM 613809.
Usher syndrome type 2A. Also called: USHER SYNDROME, TYPE IIA; RETINAL DISEASE IN USHER SYNDROME TYPE IIA, MODIFIER OF. Identifiers: Orphanet 231178, Orphanet 886, MedGen C1848634, MONDO:0010169, OMIM 276901.

Allele frequency attached by ClinVar (database versions not stated): gnomAD 0.00001 and 0.00003; gnomAD exomes 0.00001 and 0.00002; TOPMed 0.00001; ExAC 0.00003.
gnomAD v4.1: 32 of 1,613,834 alleles (0.002%); highest among the groups gnomAD compares: Middle Eastern, 0.3%; 1 homozygote.

Submissions (7):

Labcorp Genetics (formerly Invitae), Labcorp
Classification: Likely benign. Last evaluated: 2025-12-26. Review status: criteria provided, single submitter. Criteria: Invitae Variant Classification Sherloc (09022015). Collection method: clinical testing. Allele origin: germline.

Blueprint Genetics
Classification: Likely benign. Last evaluated: 2024-11-12. Review status: criteria provided, single submitter. Criteria: ACMG Guidelines, 2015. Collection method: clinical testing. Allele origin: germline.

Genome-Nilou Lab
Classification: Likely benign for Retinitis pigmentosa 39. Last evaluated: 2023-11-04. Review status: criteria provided, single submitter. Criteria: ACMG Guidelines, 2015. Collection method: clinical testing. Allele origin: germline. Affected: no.

Genome-Nilou Lab
Classification: Likely benign for Usher syndrome type 2A. Last evaluated: 2023-11-04. Review status: criteria provided, single submitter. Criteria: ACMG Guidelines, 2015. Collection method: clinical testing. Allele origin: germline. Affected: no.

Dept Of Ophthalmology, Nagoya University
Classification: Likely benign for Retinal dystrophy. Last evaluated: 2023-10-01. Review status: criteria provided, single submitter. Criteria: Submitter's publication. Collection method: research. Allele origin: germline. Affected: yes.

Laboratory for Molecular Medicine, Mass General Brigham Personalized Medicine
Classification: Likely benign. Last evaluated: 2016-06-23. Review status: criteria provided, single submitter. Criteria: LMM Criteria. Collection method: clinical testing. Allele origin: germline. Observed: 2 variant alleles.
Comment: p.Pro2539Pro in exon 41 of USH2A: This variant is not expected to have clinical significance because it does not alter an amino acid residue, and is not located within the splice consensus sequence. It has been identified in 1/11474 Latino chromosomes and in 2/66022 European chromosomes by the Exome Aggregation Consor tium (ExAC; dbSNP rs773159617).

PreventionGenetics, part of Exact Sciences
Classification: Likely benign for USH2A-related condition. Last evaluated: 2019-05-01. Review status: no assertion criteria provided. Collection method: clinical testing. Allele origin: germline. Not counted in ClinVar's aggregate classification.
Comment: This variant is classified as likely benign based on ACMG/AMP sequence variant interpretation guidelines (Richards et al. 2015 PMID: 25741868, with internal and published modifications).